The following is an entry in ClinVar:

ClinVar aggregate classification (germline): Pathogenic. Review status: criteria provided, multiple submitters, no conflicts (2 of 4 stars). 9 submissions from 9 submitters: Pathogenic (8). 1 of the submissions does not count toward it. Last evaluated 2025-11-25.

Conditions:
Nonsyndromic genetic hearing loss. Also called: Non-syndromic genetic deafness; Nonsyndromic hearing loss and deafness; Nonsyndromic genetic deafness. Identifiers: Orphanet 87884, MedGen C5680182, MONDO:0019497.
Autosomal recessive nonsyndromic hearing loss 1A (DFNB1A). Also called: GJB2-Related Autosomal Recessive Nonsyndromic Hearing Loss; GJB6-Related DFNB 1 Nonsyndromic Hearing Loss and Deafness; Deafness, autosomal recessive 1A; Nonsyndromic Hearing Loss and Deafness, DFNB1; Connexin 26 deafness; Deafness nonsyndromic, Connexin 26 linked. Identifiers: Orphanet 90636, MedGen C2673759, MONDO:0009076, OMIM 220290.
Autosomal dominant nonsyndromic hearing loss 3A. Identifiers: Orphanet 90635, MedGen C2675750, MONDO:0011103, OMIM 601544.
Mutilating keratoderma (VOWNKL). Also called: Keratoderma hereditarium mutilans. Identifiers: Orphanet 494, MedGen C0265964, MONDO:0007422, OMIM 124500.
Ichthyosis, hystrix-like, with hearing loss. Also called: Hystrix-like ichthyosis with deafness. Identifiers: Orphanet 477, MedGen C1865234, MONDO:0011245.
Palmoplantar keratoderma-deafness syndrome. Also called: Keratoderma palmoplantar, with deafness; Palmoplantar keratoderma and sensorineural deafness; Hereditary palmoplantar keratoderma with deafness (subtype); Focal palmoplantar keratoderma with sensorineural deafness (subtype); Diffuse palmoplantar keratoderma with deafness (subtype). Identifiers: Orphanet 2202, MedGen C1835672, MONDO:0007852, OMIM 148350.
Knuckle pads, deafness AND leukonychia syndrome. Also called: Bart-Pumphrey syndrome. Identifiers: Orphanet 2698, MedGen C0266004, MONDO:0007866, OMIM 149200.
Autosomal dominant keratitis-ichthyosis-hearing loss syndrome. Also called: Senter syndrome; KID SYNDROME, AUTOSOMAL DOMINANT; HID SYNDROME. Identifiers: Orphanet 477, MedGen C0265336, MONDO:0007850, OMIM 148210.
nonsyndromic sensorineural hearing loss. Identifiers: MedGen C1842137, MeSH C537845.

gnomAD v4.1: 11 of 1,614,062 alleles (0.00068%); highest among the groups gnomAD compares: East Asian, 0.025%; no homozygotes.

Submissions (9):

Natera, Inc.
Classification: Pathogenic for Autosomal recessive deafness type 1A. Last evaluated: 2025-11-25. Review status: criteria provided, single submitter. Criteria: Natera Variant Classification Schema (03/2026). Collection method: clinical testing. Allele origin: germline.
Comment: The c.257C>G variant in GJB2 is a missense variant predicted to cause substitution of threonine to arginine at amino acid 86. This variant is rare in the general population with a frequency below the threshold expected for the associated phenotype(s). This variant has been observed in one or more individuals affected with the associated recessive disease, as either homozygous or compound heterozygous with a second variant (PMID: 24256046, 18585793). Given the available evidence, this variant is classified as Pathogenic.

3billion
Classification: Pathogenic for Autosomal recessive nonsyndromic hearing loss 1A. Last evaluated: 2025-04-29. Review status: criteria provided, single submitter. Criteria: ACMG Guidelines, 2015. Collection method: clinical testing. Allele origin: germline. Affected: yes.
Comment: The variant is observed at an extremely low frequency in the gnomAD v4.1.0 dataset (total allele frequency: <0.001%). Predicted Consequence/Location: Missense variant In silico tool predictions suggest damaging effect of the variant on gene or gene product [REVEL: 0.97 (>=0.6, sensitivity 0.68 and specificity 0.92); 3Cnet: 0.95 (> 0.75, sensitivity 0.96 and precision 0.92)]. The same nucleotide change resulting in the same amino acid change has been previously reported as pathogenic/likely pathogenic with strong evidence (ClinVar ID: VCV000631697 / PMID: 12560944 / 3billion dataset). The variant has been reported to be in trans with a pathogenic variant as either compound heterozygous or homozygous in at least one similarly affected unrelated individual (3billion dataset). Different missense changes at the same codon (p.Thr86Ala, p.Thr86Met) have been reported to be associated with GJB2-related disorder (ClinVar ID: VCV002757846 / 3billion dataset). Therefore, this variant is classified as Pathogenic according to the recommendation of ACMG/AMP guideline.

Labcorp Genetics (formerly Invitae), Labcorp
Classification: Pathogenic. Last evaluated: 2024-01-07. Review status: criteria provided, single submitter. Criteria: Invitae Variant Classification Sherloc (09022015). Collection method: clinical testing. Allele origin: germline.
Comment: This sequence change replaces threonine, which is neutral and polar, with arginine, which is basic and polar, at codon 86 of the GJB2 protein (p.Thr86Arg). This variant is present in population databases (no rsID available, gnomAD 0.006%). This missense change has been observed in individuals with autosomal recessive deafness (PMID: 19384972, 26763877, 30896630, 31160754). ClinVar contains an entry for this variant (Variation ID: 631697). Advanced modeling of protein sequence and biophysical properties (such as structural, functional, and spatial information, amino acid conservation, physicochemical variation, residue mobility, and thermodynamic stability) performed at Invitae indicates that this missense variant is expected to disrupt GJB2 protein function with a positive predictive value of 95%. Experimental studies have shown that this missense change affects GJB2 function (PMID: 19384972). For these reasons, this variant has been classified as Pathogenic.

Fulgent Genetics
Classification: Pathogenic for Mutilating keratoderma; Autosomal dominant keratitis-ichthyosis-hearing loss syndrome; Palmoplantar keratoderma-deafness syndrome; Knuckle pads, deafness AND leukonychia syndrome; Autosomal recessive nonsyndromic hearing loss 1A; Autosomal dominant nonsyndromic hearing loss 3A. Last evaluated: 2024-01-03. Review status: criteria provided, single submitter. Criteria: ACMG Guidelines, 2015. Collection method: clinical testing. Allele origin: germline.

Women's Health and Genetics/Laboratory Corporation of America, LabCorp
Classification: Pathogenic for Nonsyndromic genetic hearing loss. Last evaluated: 2023-06-20. Review status: criteria provided, single submitter. Criteria: LabCorp Variant Classification Summary - May 2015. Collection method: clinical testing. Allele origin: germline.
Comment: Variant summary: GJB2 c.257C>G (p.Thr86Arg) results in a non-conservative amino acid change located in the Connexin, N-terminal domain (IPR013092) of the encoded protein sequence. Five of five in-silico tools predict a damaging effect of the variant on protein function. The variant allele was found at a frequency of 4e-06 in 251278 control chromosomes (gnomAD). c.257C>G has been reported in the literature as a biallelic genotype in multiple individuals affected with Hearing Loss (e.g. Ohtsuka_2003, Choi_2009, Huang_2013, Xu_2014). These data indicate that the variant is very likely to be associated with disease. When expressed alone in HEK293 cells, the variant protein failed to form gap junctions and had deficient hemichannel opening (Choi_2009). This deficiency was rescued when the variant was co-expressed with WT-GJB2, supporting the recessive nature of this specific variant. The following publications have been ascertained in the context of this evaluation (PMID: 19384972, 23266159, 12560944, 24941117). Six ClinVar submitters have assessed this variant since 2014: one classified the variant as uncertain significance, one as likely pathogenic, and four as pathogenic. Based on the evidence outlined above, the variant was classified as pathogenic.

Revvity Omics, Revvity
Classification: Pathogenic. Last evaluated: 2021-09-28. Review status: criteria provided, single submitter. Criteria: ACMG Guidelines, 2015. Collection method: clinical testing. Allele origin: germline.

Illumina Laboratory Services, Illumina
Classification: Pathogenic for Autosomal recessive nonsyndromic hearing loss 1A. Last evaluated: 2018-08-15. Review status: criteria provided, single submitter. Criteria: ICSL Variant Classification Criteria 09 May 2019. Collection method: clinical testing. Allele origin: germline.
Comment: Across a selection of the available literature, the GJB2 c.257C>G (p.Thr86Arg) missense variant, which has been found mainly in the East Asian population, was identified in a homozygous state in at least one individual with autosomal recessive nonsyndromic hearing loss and in a compound heterozygous state in at least four unrelated individuals, also with autosomal recessive nonsyndromic hearing loss (Ohtsuka et al. 2003; Choi et al. 2009; Shi et al. 2016; Sakuma et al. 2016; Zhang et al. 2016). Huang et al. (2013) further identified one patient with profound bilateral sensorineural hearing loss and enlarged vestibular aqueduct with double biallelic variants in the GJB2 and SLC26A4 genes; the patient was compound heterozygous for the p.Thr86Arg variant and a pathogenic frameshift variant common in the East Asian population. The p.Thr86Arg variant was absent from 247 controls but is reported at a frequency of 0.00006 in the East Asian population of the Genome Aggregation Database, based on one allele in a region of good sequence coverage so the variant is presumed to be rare. HEK293 cells transfected with the variant protein demonstrated that the p.Thr86Arg variant led to defective intercellular trafficking and oligomerization of the protein (Choi et al. 2009). Co-transfection with the wild type channel demonstrated that the p.Thr86Arg variant did not affect ionic transfer and biochemical coupling, consistent with the recessive nature of the variant. Based on the collective evidence, the p.Thr86Arg variant is classified as pathogenic for autosomal recessive nonsyndromic hearing loss. This variant was observed by ICSL as part of a predisposition screen in an ostensibly healthy population.

Juno Genomics, Hangzhou Juno Genomics, Inc
Classification: Pathogenic for Knuckle pads, deafness AND leukonychia syndrome; Autosomal dominant nonsyndromic hearing loss 3A; Autosomal recessive nonsyndromic hearing loss 1A; Autosomal dominant keratitis-ichthyosis-hearing loss syndrome; Palmoplantar keratoderma-deafness syndrome; Mutilating keratoderma. Review status: criteria provided, single submitter. Criteria: ACMG Guidelines, 2015. Collection method: clinical testing. Allele origin: germline.
Comment: Absent from controls (or at extremely low frequency if recessive) in Genome Aggregation Database.;For recessive disorders, detected in trans with a pathogenic variant.;Well-established in vitro or in vivo functional studies supportive of a damaging effect on the gene or gene product.

Molecular Genetics Laboratory, BC Children's and BC Women's Hospitals
Classification: Pathogenic for nonsyndromic sensorineural hearing loss. Last evaluated: 2020-10-02. Review status: no assertion criteria provided. Criteria: ACMG Guidelines, 2015. Collection method: clinical testing. Allele origin: germline. Affected: yes. Not counted in ClinVar's aggregate classification.

Literature cited by the submitters: PubMed 24256046 (cited by Natera, Inc.); PubMed 18585793 (cited by Natera, Inc.); PubMed 12560944 (cited by 3 submitters); PubMed 19384972 (cited by 3 submitters); PubMed 26763877 (cited by Labcorp Genetics (formerly Invitae), Labcorp and Illumina Laboratory Services, Illumina); PubMed 30896630 (cited by Labcorp Genetics (formerly Invitae), Labcorp); PubMed 31160754 (cited by Labcorp Genetics (formerly Invitae), Labcorp); PubMed 23266159 (cited by Women's Health and Genetics/Laboratory Corporation of America, LabCorp and Illumina Laboratory Services, Illumina); PubMed 24941117 (cited by Women's Health and Genetics/Laboratory Corporation of America, LabCorp); PubMed 27247933 (cited by Illumina Laboratory Services, Illumina); PubMed 27534436 (cited by Illumina Laboratory Services, Illumina); PubMed 20301449 (cited by Illumina Laboratory Services, Illumina).

NM_004004.6(GJB2):c.257C>G (p.Thr86Arg)

Gene: GJB2 (gap junction protein beta 2; minus strand). Cytogenetic location: 13q12.11.
Variant type: single nucleotide variant.
Coding change: c.257C>G on transcript NM_004004.6 (MANE Select); coding-DNA position 257, C replaced by G.
Protein change: p.Thr86Arg; replaces threonine 86 with arginine.
Molecular consequence: missense variant.
Genome position (GRCh38, 1-based): chr13:20,189,325, G>C on the plus strand (C>G on the coding strand, the complement: GJB2 is on the minus strand). VCF-style: chr13-20189325-G-C. GRCh37 (hg19) VCF-style: chr13-20763464-G-C.
Other names: short protein forms T86R.
Identifiers: ClinVar variation 631697 (VCV000631697.27), dbSNP rs1291519904, ClinGen allele CA387461527.
Genomic context (GRCh38, chr13:20,189,325, plus strand): 5'-AACTTCCTCTTCTTCTCATGTCTCCGGTAGGCCACGTGCATGGCCACTAGGAGCGCTGGC[G>C]TGGACACGAAGATCAGCTGCAGGGCCCATAGCCGGATGTGGGAGATGGGGAAGTAGTGAT-3'
Protein context (NP_003995.2, residues 76-96): LWALQLIFVS[Thr86Arg]PALLVAMHVA